The following is an entry in ClinVar:

ClinVar aggregate classification (germline): Uncertain significance (1 of 4 stars; one submission).

Conditions:
Myoclonic dystonia 26. Identifiers: MedGen C4225341, MONDO:0014620, OMIM 616398.

Submission:

Labcorp Genetics (formerly Invitae), Labcorp
Classification: Uncertain significance for Myoclonic dystonia 26. Last evaluated: 2025-05-19. Review status: criteria provided, single submitter. Criteria: Invitae Variant Classification Sherloc (09022015). Collection method: clinical testing. Allele origin: germline.
Comment: This sequence change replaces glutamine, which is neutral and polar, with proline, which is neutral and non-polar, at codon 216 of the KCTD17 protein (p.Gln216Pro). This variant is not present in population databases (gnomAD no frequency). This variant has not been reported in the literature in individuals affected with KCTD17-related conditions. Invitae Evidence Modeling of protein sequence and biophysical properties (such as structural, functional, and spatial information, amino acid conservation, physicochemical variation, residue mobility, and thermodynamic stability) indicates that this missense variant is not expected to disrupt KCTD17 protein function with a negative predictive value of 80%. In summary, the available evidence is currently insufficient to determine the role of this variant in disease. Therefore, it has been classified as a Variant of Uncertain Significance.

NM_001282684.2(KCTD17):c.626A>C (p.Gln209Pro)

Gene: KCTD17 (potassium channel tetramerization domain containing 17; plus strand). Cytogenetic location: 22q12.3.
Variant type: single nucleotide variant.
Coding change: c.626A>C on transcript NM_001282684.2 (MANE Select); coding-DNA position 626, A replaced by C.
Protein change: p.Gln209Pro; replaces glutamine 209 with proline.
Molecular consequence: missense variant. On other transcripts: intron variant (2).
Genome position (GRCh38, 1-based): chr22:37,060,836, A>C. VCF-style: chr22-37060836-A-C. GRCh37 (hg19) VCF-style: chr22-37456876-A-C.
Other names: c.626A>C, p.Gln209Pro (NM_024681.4); c.613-703A>C (NM_001282685.2); c.612+1398A>C (NM_001282686.2); short protein forms Q209P.
Identifiers: ClinVar variation 4745082 (VCV004745082.1).